The following is an entry in ClinVar:

NM_000143.4(FH):c.1370_1371insTCAC (p.Ala458fs)

Gene: FH (fumarate hydratase; minus strand). Cytogenetic location: 1q43.
Variant type: Insertion.
Coding change: c.1370_1371insTCAC on transcript NM_000143.4 (MANE Select); coding-DNA positions 1370 to 1371, TCAC inserted.
Protein change: p.Ala458fs; shifts the reading frame from alanine 458.
Molecular consequence: frameshift variant.
Genome position: GRCh38 VCF-style: chr1-241500456-T-TGTGA. GRCh37 (hg19) VCF-style: chr1-241663756-T-TGTGA.
Other names: short protein forms A458fs.
Identifiers: ClinVar variation 214405 (VCV000214405.53), dbSNP rs863223992, ClinGen allele CA322840.

ClinVar aggregate classification (germline): Pathogenic. Review status: criteria provided, multiple submitters, no conflicts (2 of 4 stars). 5 submissions from 5 submitters: Pathogenic (5). Last evaluated 2025-07-15.

Conditions:
Hereditary leiomyomatosis and renal cell cancer. Also called: LEIOMYOMA, MULTIPLE CUTANEOUS; Reed syndrome; Multiple cutaneous and uterine leiomyomatosis; Cutaneous leiomyomata with uterine leiomyomata; Leiomyoma, hereditary multiple, of skin; Multiple cutaneous and uterine leiomyomata. Identifiers: Orphanet 523, MedGen C1708350, MONDO:0007888, OMIM 150800, HP:0007437. Disease mechanism: loss of function.
Hereditary cancer-predisposing syndrome. Also called: Tumor predisposition; Hereditary Cancer Syndrome; Hereditary neoplastic syndrome; Neoplastic Syndromes, Hereditary. Identifiers: Orphanet 140162, MedGen C0027672, MeSH D009386, MONDO:0015356.
Fumarase deficiency (FMRD). Also called: Fumaric aciduria; Fumarate Hydratase Deficiency. Identifiers: Orphanet 24, MedGen C0342770, MONDO:0011730, OMIM 606812.

Submissions (5):

Labcorp Genetics (formerly Invitae), Labcorp
Classification: Pathogenic. Last evaluated: 2025-07-15. Review status: criteria provided, single submitter. Criteria: Invitae Variant Classification Sherloc (09022015). Collection method: clinical testing. Allele origin: germline.
Comment: This sequence change creates a premature translational stop signal (p.Ala458Hisfs*10) in the FH gene. While this is not anticipated to result in nonsense mediated decay, it is expected to disrupt the last 53 amino acid(s) of the FH protein. This variant is not present in population databases (gnomAD no frequency). This premature translational stop signal has been observed in individual(s) with clinical features of FH-related conditions (internal data). ClinVar contains an entry for this variant (Variation ID: 214405). This variant disrupts a region of the FH protein in which other variant(s) (p.Trp500*) have been determined to be pathogenic (PMID: 9635293, 20549362, 21398687). This suggests that this is a clinically significant region of the protein, and that variants that disrupt it are likely to be disease-causing. For these reasons, this variant has been classified as Pathogenic.

Ambry Genetics
Classification: Pathogenic for Hereditary cancer-predisposing syndrome. Last evaluated: 2025-04-17. Review status: criteria provided, single submitter. Criteria: Ambry Variant Classification Scheme 2023. Collection method: clinical testing. Allele origin: germline.
Comment: The c.1370_1371insTCAC pathogenic mutation, located in coding exon 9 of the FH gene, results from an insertion of 4 nucleotides at position 1370, causing a translational frameshift with a predicted alternate stop codon (p.A458Tfs*10). This alteration occurs at the 3' terminus of theFH gene, is not expected to trigger nonsense-mediated mRNA decay, and only impacts the last 53 amino acids of the protein. However, premature stop codons are typically deleterious in nature and the impacted region is critical for protein function (Ambry internal data). This alteration has been observed in at least one individual who has a personal or family history that is consistent with FH-associated disease (Ambry internal data). This variant is considered to be rare based on population cohorts in the Genome Aggregation Database (gnomAD). Based on the supporting evidence, this alteration is interpreted as a disease-causing mutation.

Myriad Genetics, Inc.
Classification: Pathogenic for Hereditary leiomyomatosis and renal cell cancer. Last evaluated: 2024-07-24. Review status: criteria provided, single submitter. Criteria: Myriad Autosomal Dominant, Autosomal Recessive and X-Linked Classification Criteria (2023). Collection method: clinical testing. Allele origin: unknown.
Comment: This variant is considered pathogenic. This variant creates a frameshift predicted to result in premature protein truncation.

Baylor Genetics
Classification: Pathogenic for Fumarase deficiency. Last evaluated: 2023-05-18. Review status: criteria provided, single submitter. Criteria: ACMG Guidelines, 2015. Collection method: clinical testing. Allele origin: unknown.

GeneDx
Classification: Pathogenic. Last evaluated: 2016-04-25. Review status: criteria provided, single submitter. Criteria: GeneDx Variant Classification (06012015). Collection method: clinical testing. Allele origin: germline. Affected: yes.
Comment: The c.1370_1371insTCAC pathogenic variant in the FH gene causes a frameshift starting with codon Alanine 458, changes this amino acid to a Histidine residue and creates a premature Stop codon at position 10 of the new reading frame, denoted p.Ala458HisfsX10. This pathogenic variant is predicted to cause loss of normal protein function through protein truncation due to the last 53 amino acids being replaced by 9 aberrant amino acids. Although this pathogenic variant has not been previously reported to our knowledge, its presence is consistent with a diagnosis of hereditary leiomyomatosis and renal cell cancer (HLRCC). The variant is found in FH panel(s).

Literature cited by the submitters: PubMed 9635293 (cited by Labcorp Genetics (formerly Invitae), Labcorp); PubMed 20549362 (cited by Labcorp Genetics (formerly Invitae), Labcorp); PubMed 21398687 (cited by Labcorp Genetics (formerly Invitae), Labcorp).